The following is an entry in ClinVar:

ClinVar aggregate classification (germline): Uncertain significance (1 of 4 stars; one submission).

Submission:

Labcorp Genetics (formerly Invitae), Labcorp
Classification: Uncertain significance. Last evaluated: 2025-02-20. Review status: criteria provided, single submitter. Criteria: Invitae Variant Classification Sherloc (09022015). Collection method: clinical testing. Allele origin: germline.
Comment: This sequence change falls in intron 3 of the EFNB1 gene. It does not directly change the encoded amino acid sequence of the EFNB1 protein. It affects a nucleotide within the consensus splice site. This variant is not present in population databases (gnomAD no frequency). This variant has not been reported in the literature in individuals affected with EFNB1-related conditions. ClinVar contains an entry for this variant (Variation ID: 2120472). Variants that disrupt the consensus splice site are a relatively common cause of aberrant splicing (PMID: 17576681, 9536098). Algorithms developed to predict the effect of sequence changes on RNA splicing suggest that this variant is not likely to affect RNA splicing. In summary, the available evidence is currently insufficient to determine the role of this variant in disease. Therefore, it has been classified as a Variant of Uncertain Significance.

Literature cited by the submitters: PubMed 17576681; PubMed 9536098.

NM_004429.5(EFNB1):c.500-3T>C

Gene: EFNB1 (ephrin B1; plus strand). Cytogenetic location: Xq13.1.
Variant type: single nucleotide variant.
Coding change: c.500-3T>C on transcript NM_004429.5 (MANE Select); 3 bases into the intron before coding-DNA position 500, T replaced by C.
Molecular consequence: intron variant.
Genome position (GRCh38, 1-based): chrX:68,839,957, T>C. VCF-style: chrX-68839957-T-C. GRCh37 (hg19) VCF-style: chrX-68059800-T-C.
Identifiers: ClinVar variation 2120472 (VCV002120472.4), dbSNP rs2519539594, ClinGen allele CA2580101294.